The following is an entry in ClinVar:

NM_004407.4(DMP1):c.619G>A (p.Gly207Ser)

Genes: DMP1 (dentin matrix acidic phosphoprotein 1; plus strand), DMP1-AS1 (DMP1 and DSPP antisense RNA 1; minus strand). Cytogenetic location: 4q22.1.
Variant type: single nucleotide variant.
Coding change: c.619G>A on transcript NM_004407.4 (MANE Select); coding-DNA position 619, G replaced by A.
Protein change: p.Gly207Ser; replaces glycine 207 with serine.
Molecular consequence: missense variant.
Genome position (GRCh38, 1-based): chr4:87,662,397, G>A. VCF-style: chr4-87662397-G-A. GRCh37 (hg19) VCF-style: chr4-88583549-G-A.
Other names: c.571G>A, p.Gly191Ser (NM_001079911.3); short protein forms G207S, G191S.
Identifiers: ClinVar variation 2267561 (VCV002267561.3), dbSNP rs1457421616, ClinGen allele CA357699364.

ClinVar aggregate classification (germline): Uncertain significance. Review status: criteria provided, multiple submitters, no conflicts (2 of 4 stars). 2 submissions from 2 submitters: Uncertain significance (2). Last evaluated 2025-09-12.

Conditions:
Inborn genetic diseases. Identifiers: MedGen C0950123, MeSH D030342.

Allele frequency attached by ClinVar (database versions not stated): gnomAD 0.00001; gnomAD exomes 0.00001; TOPMed 0.00001.

Submissions (2):

Women's Health and Genetics/Laboratory Corporation of America, LabCorp
Classification: Uncertain significance. Last evaluated: 2025-09-12. Review status: criteria provided, single submitter. Criteria: LabCorp Variant Classification Summary - May 2015. Collection method: clinical testing. Allele origin: germline.
Comment: Variant summary: DMP1 c.619G>A (p.Gly207Ser) results in a non-conservative amino acid change in the encoded protein sequence. Algorithms developed to predict the effect of missense changes on protein structure and function are either unavailable or do not agree on the potential impact of this missense change. The variant allele was found at a frequency of 1.2e-05 in 250918 control chromosomes. The available data on variant occurrences in the general population are insufficient to allow any conclusion about variant significance. To our knowledge, no occurrence of c.619G>A in individuals affected with DMP1-related conditions and no experimental evidence demonstrating its impact on protein function have been reported. ClinVar contains an entry for this variant (Variation ID: 2267561). Based on the evidence outlined above, the variant was classified as uncertain significance.

Ambry Genetics
Classification: Uncertain significance for Inborn genetic diseases. Last evaluated: 2021-12-16. Review status: criteria provided, single submitter. Criteria: Ambry Variant Classification Scheme 2023. Collection method: clinical testing. Allele origin: germline.